The following is an entry in ClinVar:

NM_014028.4(OSTM1):c.620A>G (p.Asn207Ser)

Gene: OSTM1 (osteoclastogenesis associated transmembrane protein 1; minus strand). Cytogenetic location: 6q21.
Variant type: single nucleotide variant.
Coding change: c.620A>G on transcript NM_014028.4 (MANE Select); coding-DNA position 620, A replaced by G.
Protein change: p.Asn207Ser; replaces asparagine 207 with serine.
Molecular consequence: missense variant.
Genome position (GRCh38, 1-based): chr6:108,051,194, T>C on the plus strand (A>G on the coding strand, the complement: OSTM1 is on the minus strand). VCF-style: chr6-108051194-T-C. GRCh37 (hg19) VCF-style: chr6-108372398-T-C.
Other names: c.620A>G (NM_014028.3); short protein forms N207S.
Identifiers: ClinVar variation 3713546 (VCV003713546.2).
Genomic context (GRCh38, chr6:108,051,194, plus strand): 5'-GCTTCACGGCAGTTTTTGCATACTTCTGAATAATTTTTTGTCTGTAAAAGACTATGTGCA[T>C]TCCCCTAAAATGACAAAGGCACATGTAATATATACAATAAACATTATATACAATATCTCT-3'
Protein context (NP_054747.2, residues 197-217): LTCFEHNLQG[Asn207Ser]AHSLLQTKNY

ClinVar aggregate classification (germline): Conflicting classifications of pathogenicity. Review status: criteria provided, conflicting classifications (1 of 4 stars). 2 submissions from 2 submitters: Uncertain significance (1); Likely benign (1). Last evaluated 2025-12-22.

Conditions:
Inborn genetic diseases. Identifiers: MedGen C0950123, MeSH D030342.

gnomAD v4.1: 3 of 1,609,612 alleles (0.00019%); highest among the groups gnomAD compares: Admixed American, 0.0033%; no homozygotes.

Submissions (2):

Ambry Genetics
Classification: Likely benign for Inborn genetic diseases. Last evaluated: 2025-12-22. Review status: criteria provided, single submitter. Criteria: Ambry Variant Classification Scheme 2023. Collection method: clinical testing. Allele origin: germline.

Labcorp Genetics (formerly Invitae), Labcorp
Classification: Uncertain significance. Last evaluated: 2024-09-24. Review status: criteria provided, single submitter. Criteria: Invitae Variant Classification Sherloc (09022015). Collection method: clinical testing. Allele origin: germline.
Comment: This sequence change replaces asparagine, which is neutral and polar, with serine, which is neutral and polar, at codon 207 of the OSTM1 protein (p.Asn207Ser). This variant is present in population databases (no rsID available, gnomAD 0.006%). This variant has not been reported in the literature in individuals affected with OSTM1-related conditions. An algorithm developed to predict the effect of missense changes on protein structure and function outputs the following: PolyPhen-2: "Benign". The serine amino acid residue is found in multiple mammalian species, which suggests that this missense change does not adversely affect protein function. In summary, the available evidence is currently insufficient to determine the role of this variant in disease. Therefore, it has been classified as a Variant of Uncertain Significance.